The following is an entry in ClinVar:

ClinVar aggregate classification (germline): Uncertain significance. Review status: criteria provided, multiple submitters, no conflicts (2 of 4 stars). 2 submissions from 2 submitters: Uncertain significance (2). Last evaluated 2025-10-23.

Conditions:
Inborn genetic diseases. Identifiers: MedGen C0950123, MeSH D030342.
Developmental delay with autism spectrum disorder and gait instability (MRT38). Also called: Intellectual developmental disorder, autosomal recessive 38. Identifiers: Orphanet 329195, MedGen C3809753, MONDO:0014224, OMIM 615516.

Allele frequency attached by ClinVar (database versions not stated): ExAC 0.00002; gnomAD 0.00004; gnomAD exomes 0.00005 and 0.00010; TOPMed 0.00005.
gnomAD v4.1: 146 of 1,611,258 alleles (0.0091%); highest among the groups gnomAD compares: Non-Finnish European, 0.012%; no homozygotes.

Submissions (2):

Ambry Genetics
Classification: Uncertain significance for Inborn genetic diseases. Last evaluated: 2025-10-23. Review status: criteria provided, single submitter. Criteria: Ambry Variant Classification Scheme 2023. Collection method: clinical testing. Allele origin: germline.

Baylor Genetics
Classification: Uncertain significance for Developmental delay with autism spectrum disorder and gait instability. Last evaluated: 2018-11-13. Review status: criteria provided, single submitter. Criteria: ACMG Guidelines, 2015. Collection method: clinical testing. Allele origin: maternal. Affected: yes.
Comment: This variant was determined to be of uncertain significance according to ACMG Guidelines, 2015 [PMID:25741868].

NM_004667.6(HERC2):c.254A>G (p.Glu85Gly)

Gene: HERC2 (HECT and RLD domain containing E3 ubiquitin protein ligase 2; minus strand). Cytogenetic location: 15q13.1.
Variant type: single nucleotide variant.
Coding change: c.254A>G on transcript NM_004667.6 (MANE Select); coding-DNA position 254, A replaced by G.
Protein change: p.Glu85Gly; replaces glutamic acid 85 with glycine.
Molecular consequence: missense variant.
Genome position (GRCh38, 1-based): chr15:28,292,956, T>C on the plus strand (A>G on the coding strand, the complement: HERC2 is on the minus strand). VCF-style: chr15-28292956-T-C. GRCh37 (hg19) VCF-style: chr15-28538102-T-C.
Other names: c.254A>G (NM_004667.4); short protein forms E85G.
Identifiers: ClinVar variation 1031458 (VCV001031458.4), dbSNP rs765598082, ClinGen allele CA267910975.